The following is an entry in ClinVar:

ClinVar aggregate classification (germline): Pathogenic (1 of 4 stars; one submission).

Conditions:
Deficiency of alpha-mannosidase (MANSA). Also called: LYSOSOMAL ALPHA-D-MANNOSIDASE DEFICIENCY; Alpha-Mannosidosis; Mannosidosis, alpha-, types I and II. Identifiers: Orphanet 61, MedGen C0024748, MONDO:0009561, OMIM 248500.

Submission:

Labcorp Genetics (formerly Invitae), Labcorp
Classification: Pathogenic for Deficiency of alpha-mannosidase. Last evaluated: 2023-08-10. Review status: criteria provided, single submitter. Criteria: Invitae Variant Classification Sherloc (09022015). Collection method: clinical testing. Allele origin: germline.
Comment: For these reasons, this variant has been classified as Pathogenic. This variant disrupts a region of the MAN2B1 protein in which other variant(s) (p.Arg916His) have been determined to be pathogenic (PMID: 16919251, 21505070, 22161967). This suggests that this is a clinically significant region of the protein, and that variants that disrupt it are likely to be disease-causing. This variant is a gross deletion of the genomic region encompassing exon(s) 17-24 of the MAN2B1 gene, which includes the termination codon. This deletion extends beyond the assayed region for this gene and therefore may encompass additional genes. While this deletion is not anticipated to lead to nonsense mediated decay, it is expected to alter mRNA translation or result in a truncated protein product. This variant has not been reported in the literature in individuals affected with MAN2B1-related conditions.

Literature cited by the submitters: PubMed 16919251; PubMed 21505070; PubMed 22161967.

NC_000019.9:g.(?_12757434)_(12761056_?)del

Gene: MAN2B1 (mannosidase alpha class 2B member 1; minus strand). Cytogenetic location: 19p13.2.
Variant type: Deletion.
Identifiers: ClinVar variation 2423227 (VCV002423227.4).